The following is an entry in ClinVar:

ClinVar aggregate classification (germline): Uncertain significance (1 of 4 stars; one submission).

Conditions:
Progressive sclerosing poliodystrophy (MTDPS4A). Also called: Mitochondrial DNA depletion syndrome 4A (Alpers type); ALPERS PROGRESSIVE INFANTILE POLIODYSTROPHY; NEURONAL DEGENERATION OF CHILDHOOD WITH LIVER DISEASE, PROGRESSIVE; Alpers Syndrome; ALPERS DIFFUSE DEGENERATION OF CEREBRAL GRAY MATTER WITH HEPATIC CIRRHOSIS; Alpers-Huttenlocher Syndrome. Identifiers: Orphanet 726, MedGen C0205710, MONDO:0008758, OMIM 203700.

Submission:

Labcorp Genetics (formerly Invitae), Labcorp
Classification: Uncertain significance for Progressive sclerosing poliodystrophy. Last evaluated: 2022-04-01. Review status: criteria provided, single submitter. Criteria: Invitae Variant Classification Sherloc (09022015). Collection method: clinical testing. Allele origin: germline.
Comment: In summary, the available evidence is currently insufficient to determine the role of this variant in disease. Therefore, it has been classified as a Variant of Uncertain Significance. Algorithms developed to predict the effect of missense changes on protein structure and function are either unavailable or do not agree on the potential impact of this missense change (SIFT: "Tolerated"; PolyPhen-2: "Probably Damaging"; Align-GVGD: "Class C0"). This missense change has been observed in individual(s) with peripheral neuropathy associated with childhood mitochondrial disease (PMID: 27475922). This variant is not present in population databases (gnomAD no frequency). This sequence change replaces methionine, which is neutral and non-polar, with isoleucine, which is neutral and non-polar, at codon 299 of the POLG protein (p.Met299Ile).

Literature cited by the submitters: PubMed 27475922.

NM_002693.3(POLG):c.897G>C (p.Met299Ile)

Gene: POLG (DNA polymerase gamma, catalytic subunit; minus strand). Cytogenetic location: 15q26.1.
Variant type: single nucleotide variant.
Coding change: c.897G>C on transcript NM_002693.3 (MANE Select); coding-DNA position 897, G replaced by C.
Protein change: p.Met299Ile; replaces methionine 299 with isoleucine.
Molecular consequence: missense variant.
Genome position (GRCh38, 1-based): chr15:89,329,069, C>G on the plus strand (G>C on the coding strand, the complement: POLG is on the minus strand). VCF-style: chr15-89329069-C-G. GRCh37 (hg19) VCF-style: chr15-89872300-C-G.
Other names: c.897G>C, p.Met299Ile (NM_001126131.2); short protein forms M299I.
Identifiers: ClinVar variation 2199272 (VCV002199272.4), dbSNP rs1309549222, ClinGen allele CA393765916.
Genomic context (GRCh38, chr15:89,329,069, plus strand): 5'-TTTGCCCTGCTTGGCTGCTATCCACAGACTGCGCTGGAAGCTGCTTAGCCCTGAGATGGC[C>G]ATGTGCATGCTCATGGTGTCCAGGAAACGCATGCGGGAACCCTGAGGAGGAGGAGGAGAA-3'
Protein context (NP_002684.1, residues 289-309): MRFLDTMSMH[Met299Ile]AISGLSSFQR